The following is an entry in ClinVar:

NM_001329943.3(KIAA0586):c.2228A>T (p.His743Leu)

Gene: KIAA0586 (KIAA0586; plus strand). Cytogenetic location: 14q23.1.
Variant type: single nucleotide variant.
Coding change: c.2228A>T on transcript NM_001329943.3 (MANE Select); coding-DNA position 2228, A replaced by T.
Protein change: p.His743Leu; replaces histidine 743 with leucine.
Molecular consequence: missense variant.
Genome position (GRCh38, 1-based): chr14:58,466,003, A>T. VCF-style: chr14-58466003-A-T. GRCh37 (hg19) VCF-style: chr14-58932721-A-T.
Other names: c.2387A>T, p.His796Leu (NM_001244189.2); c.2183A>T, p.His728Leu (NM_001244190.2); c.1973A>T, p.His658Leu (NM_001244191.2, NM_001329945.2, NM_001364700.1 and 1 more transcripts); c.2096A>T, p.His699Leu (NM_001244192.2); c.1808A>T, p.His603Leu (NM_001244193.2); c.2228A>T, p.His743Leu (NM_001329944.2, NM_001329946.2, NM_001329947.2); c.2000A>T, p.His667Leu (NM_014749.5); c.2000A>T (NM_014749.3); and 1 more; short protein forms H699L, H728L, H743L, H603L, H658L, H796L, H667L.
Identifiers: ClinVar variation 1496513 (VCV001496513.7), dbSNP rs1190897774, ClinGen allele CA389874344.

ClinVar aggregate classification (germline): Uncertain significance. Review status: criteria provided, multiple submitters, no conflicts (2 of 4 stars). 3 submissions from 3 submitters: Uncertain significance (3). Last evaluated 2025-02-20.

Conditions:
Joubert syndrome 23 (JBTS23). Identifiers: Orphanet 475, MedGen C4084822, MONDO:0014664, OMIM 616490.
Short-rib thoracic dysplasia 14 with polydactyly (SRTD14). Identifiers: Orphanet 397715, MedGen C4225286, MONDO:0014688, OMIM 616546.
Inborn genetic diseases. Identifiers: MedGen C0950123, MeSH D030342.

Allele frequency attached by ClinVar (database versions not stated): gnomAD exomes 0.00001.

Submissions (3):

GeneDx
Classification: Uncertain significance. Last evaluated: 2025-02-20. Review status: criteria provided, single submitter. Criteria: GeneDx Variant Classification Process June 2021. Collection method: clinical testing. Allele origin: germline. Affected: yes.
Comment: In silico analysis supports that this missense variant has a deleterious effect on protein structure/function; Has not been previously published as pathogenic or benign to our knowledge

Ambry Genetics
Classification: Uncertain significance for Inborn genetic diseases. Last evaluated: 2024-06-05. Review status: criteria provided, single submitter. Criteria: Ambry Variant Classification Scheme 2023. Collection method: clinical testing. Allele origin: germline.

Labcorp Genetics (formerly Invitae), Labcorp
Classification: Uncertain significance for Joubert syndrome 23; Short-rib thoracic dysplasia 14 with polydactyly. Last evaluated: 2022-07-20. Review status: criteria provided, single submitter. Criteria: Invitae Variant Classification Sherloc (09022015). Collection method: clinical testing. Allele origin: germline.
Comment: In summary, the available evidence is currently insufficient to determine the role of this variant in disease. Therefore, it has been classified as a Variant of Uncertain Significance. Algorithms developed to predict the effect of missense changes on protein structure and function are either unavailable or do not agree on the potential impact of this missense change (SIFT: "Deleterious"; PolyPhen-2: "Probably Damaging"; Align-GVGD: "Class C0"). ClinVar contains an entry for this variant (Variation ID: 1496513). This variant has not been reported in the literature in individuals affected with KIAA0586-related conditions. This variant is present in population databases (no rsID available, gnomAD 0.009%). This sequence change replaces histidine, which is basic and polar, with leucine, which is neutral and non-polar, at codon 796 of the KIAA0586 protein (p.His796Leu).